The following is an entry in ClinVar:

ClinVar aggregate classification (germline): Conflicting classifications of pathogenicity. Review status: criteria provided, conflicting classifications (1 of 4 stars). 5 submissions from 5 submitters: Uncertain significance (1); Benign (1); Likely benign (3). Last evaluated 2025-10-19.

Conditions:
Hereditary cancer-predisposing syndrome. Also called: Hereditary Cancer Syndrome; Hereditary neoplastic syndrome; Tumor predisposition; Neoplastic Syndromes, Hereditary. Identifiers: Orphanet 140162, MedGen C0027672, MeSH D009386, MONDO:0015356.
Peutz-Jeghers syndrome (PJS). Also called: POLYPOSIS, HAMARTOMATOUS INTESTINAL; POLYPS-AND-SPOTS SYNDROME; Peutz-Jeghers polyposis; Periorificial lentiginosis syndrome. Identifiers: Orphanet 2869, MedGen C0031269, MeSH D010580, MONDO:0008280, OMIM 175200.

Submissions (5):

Labcorp Genetics (formerly Invitae), Labcorp
Classification: Likely benign for Peutz-Jeghers syndrome. Last evaluated: 2025-10-19. Review status: criteria provided, single submitter. Criteria: Invitae Variant Classification Sherloc (09022015). Collection method: clinical testing. Allele origin: germline.

Myriad Genetics, Inc.
Classification: Benign for Peutz-Jeghers syndrome. Last evaluated: 2025-03-25. Review status: criteria provided, single submitter. Criteria: Myriad Autosomal Dominant, Autosomal Recessive and X-Linked Classification Criteria (2023). Collection method: clinical testing. Allele origin: unknown.
Comment: This variant is considered benign. This variant is a silent/synonymous amino acid change and it is not expected to impact splicing.

Sema4
Classification: Uncertain significance for Hereditary cancer-predisposing syndrome. Last evaluated: 2021-12-28. Review status: criteria provided, single submitter. Criteria: Sema4 Curation Guidelines. Collection method: curation. Allele origin: germline.
Comment: To the best of our knowledge, the STK11 c.399G>A (p.V133=) variant has not been reported in individuals with STK11-related disease. This variant is not reported in the population database Genome Aggregation Database (PMID: 32461654). This variant has been reported in ClinVar (Variation ID: 458042). In silico tools suggest that the variant may create or strengthen a cryptic splice site, though these predictions have not been confirmed by functional studies. The evidence is insufficient to meet ACMG/AMP criteria for classifying the variant as benign or pathogenic. Thus, the clinical significance of this variant is currently uncertain.

Color Diagnostics, LLC DBA Color Health
Classification: Likely benign for Hereditary cancer-predisposing syndrome. Last evaluated: 2018-01-07. Review status: criteria provided, single submitter. Criteria: ACMG Guidelines, 2015. Collection method: clinical testing. Allele origin: germline.

Ambry Genetics
Classification: Likely benign for Hereditary cancer-predisposing syndrome. Last evaluated: 2017-07-13. Review status: criteria provided, single submitter. Criteria: Ambry Variant Classification Scheme 2023. Collection method: clinical testing. Allele origin: germline.

NM_000455.5(STK11):c.399G>A (p.Val133=)

Gene: STK11 (serine/threonine kinase 11; plus strand). Cytogenetic location: 19p13.3.
Variant type: single nucleotide variant.
Coding change: c.399G>A on transcript NM_000455.5 (MANE Select); coding-DNA position 399, G replaced by A.
Protein change: p.Val133=; no amino-acid change (valine 133 retained).
Molecular consequence: synonymous variant.
Genome position (GRCh38, 1-based): chr19:1,219,348, G>A. VCF-style: chr19-1219348-G-A. GRCh37 (hg19) VCF-style: chr19-1219347-G-A.
Identifiers: ClinVar variation 458042 (VCV000458042.20), dbSNP rs757021648, ClinGen allele CA504706596.